The following is an entry in ClinVar:

ClinVar aggregate classification (germline): Uncertain significance (1 of 4 stars; one submission).

Submission:

Labcorp Genetics (formerly Invitae), Labcorp
Classification: Uncertain significance. Last evaluated: 2021-06-01. Review status: criteria provided, single submitter. Criteria: Invitae Variant Classification Sherloc (09022015). Collection method: clinical testing. Allele origin: germline.
Comment: In summary, the available evidence is currently insufficient to determine the role of this variant in disease. Therefore, it has been classified as a Variant of Uncertain Significance. Algorithms developed to predict the effect of missense changes on protein structure and function output the following: SIFT: "Tolerated"; PolyPhen-2: "Benign"; Align-GVGD: "Class C0". The histidine amino acid residue is found in multiple mammalian species, suggesting that this missense change does not adversely affect protein function. These predictions have not been confirmed by published functional studies and their clinical significance is uncertain. This variant has not been reported in the literature in individuals with TECTA-related conditions. This variant is not present in population databases (ExAC no frequency). This sequence change replaces glutamine with histidine at codon 1836 of the TECTA protein (p.Gln1836His). The glutamine residue is moderately conserved and there is a small physicochemical difference between glutamine and histidine.

NM_005422.4(TECTA):c.5508G>T (p.Gln1836His)

Genes: TBCEL-TECTA (TBCEL-TECTA readthrough; plus strand), TECTA (tectorin alpha; plus strand). Cytogenetic location: 11q23.3.
Variant type: single nucleotide variant.
Coding change: c.5508G>T on transcript NM_005422.4 (MANE Select); coding-DNA position 5508, G replaced by T.
Protein change: p.Gln1836His; replaces glutamine 1836 with histidine.
Molecular consequence: missense variant.
Genome position (GRCh38, 1-based): chr11:121,166,702, G>T. VCF-style: chr11-121166702-G-T. GRCh37 (hg19) VCF-style: chr11-121037411-G-T.
Other names: c.6450G>T, p.Gln2150His (NM_001378761.1); short protein forms Q1836H, Q2150H.
Identifiers: ClinVar variation 1355113 (VCV001355113.8), dbSNP rs2135130212, ClinGen allele CA383034571.
Genomic context (GRCh38, chr11:121,166,702, plus strand): 5'-TAAGTGCAAGCTCTTCCAGCTCGGTTTTGAGAGGGAGGGCGTGAGGATCAATGACAGACA[G>T]TGCACCGGCATCGAGGGGGAAGATTTTATCTCCTTTCAGATCAACAACACCAAAGGGAAT-3'
Protein context (NP_005413.2, residues 1826-1846): EREGVRINDR[Gln1836His]CTGIEGEDFI